The following is an entry in ClinVar:

NM_015909.4(NBAS):c.2220C>T (p.Ala740=)

Gene: NBAS (NBAS subunit of NRZ tethering complex; minus strand). Cytogenetic location: 2p24.3.
Variant type: single nucleotide variant.
Coding change: c.2220C>T on transcript NM_015909.4 (MANE Select); coding-DNA position 2220, C replaced by T.
Protein change: p.Ala740=; no amino-acid change (alanine 740 retained).
Molecular consequence: synonymous variant. On other transcripts: non-coding transcript variant (1).
Genome position (GRCh38, 1-based): chr2:15,461,320, G>A on the plus strand (C>T on the coding strand, the complement: NBAS is on the minus strand). VCF-style: chr2-15461320-G-A. GRCh37 (hg19) VCF-style: chr2-15601444-G-A.
Other names: c.2220C>T (NM_015909.3).
Identifiers: ClinVar variation 1654716 (VCV001654716.22), dbSNP rs371631217, ClinGen allele CA1536427.
Genomic context (GRCh38, chr2:15,461,320, plus strand): 5'-CAGAATTGCAAGGCGATGAGGAAGCAGGTCGGAACCATGGTAAGTAAACAGAATTTCCAG[G>A]GCTTGTACATTACTTTCCTGTACAAAAGGCAAGGGGTAAGTTTCTAATGTAAATCTAAGA-3'
Protein context (NP_056993.2, residues 730-750): RTYAQESNVQ[Ala740=]LEILFTYHGS

ClinVar aggregate classification (germline): Likely benign. Review status: criteria provided, multiple submitters, no conflicts (2 of 4 stars). 5 submissions from 5 submitters: Likely benign (4). 1 of the submissions does not count toward it. Last evaluated 2026-01-23.

Conditions:
NBAS-related disorder. Also called: NBAS-related condition.

Allele frequency attached by ClinVar (database versions not stated): TOPMed 0.00003; ESP Exome Variant Server 0.00008; gnomAD exomes 0.00010 and 0.00015; ExAC 0.00019; gnomAD 0.00019 and 0.00021.
gnomAD v4.1: 179 of 1,612,178 alleles (0.011%); highest among the groups gnomAD compares: Non-Finnish European, 0.012%; no homozygotes.

Submissions (5):

Labcorp Genetics (formerly Invitae), Labcorp
Classification: Likely benign. Last evaluated: 2026-01-23. Review status: criteria provided, single submitter. Criteria: Invitae Variant Classification Sherloc (09022015). Collection method: clinical testing. Allele origin: germline.

CeGaT Center for Human Genetics Tuebingen
Classification: Likely benign. Last evaluated: 2025-06-01. Review status: criteria provided, single submitter. Criteria: CeGaT Center For Human Genetics Tuebingen Variant Classification Criteria Version 2. Collection method: clinical testing. Allele origin: germline. Affected: yes. Observed: 1 variant allele.
Comment: NBAS: BP4, BP7

Laboratory of Genetics, Children's Clinical University Hospital Latvia
Classification: Likely benign. Last evaluated: 2025-02-16. Review status: criteria provided, single submitter. Criteria: ACMG Guidelines, 2015. Collection method: clinical testing. Allele origin: germline. Affected: yes.

Blueprint Genetics
Classification: Likely benign. Last evaluated: 2024-05-28. Review status: criteria provided, single submitter. Criteria: ACMG Guidelines, 2015. Collection method: clinical testing. Allele origin: germline.

PreventionGenetics, part of Exact Sciences
Classification: Likely benign for NBAS-related condition. Last evaluated: 2019-09-10. Review status: no assertion criteria provided. Collection method: clinical testing. Allele origin: germline. Not counted in ClinVar's aggregate classification.
Comment: This variant is classified as likely benign based on ACMG/AMP sequence variant interpretation guidelines (Richards et al. 2015 PMID: 25741868, with internal and published modifications).